The following is an entry in ClinVar:

ClinVar aggregate classification (germline): Uncertain significance. Review status: criteria provided, single submitter (1 of 4 stars). 2 submissions from 2 submitters: Uncertain significance (1). 1 of the submissions does not count toward it. Last evaluated 2020-02-18.

Conditions:
Retinal dystrophy. Also called: Inherited retinal dystrophy. Identifiers: Orphanet 71862, MedGen C0854723, MeSH D058499, MONDO:0019118, HP:0000556.

Allele frequency attached by ClinVar (database versions not stated): ExAC 0.00001; gnomAD exomes 0.00001.
gnomAD v4.1: 11 of 1,613,452 alleles (0.00068%); highest among the groups gnomAD compares: South Asian, 0.012%; no homozygotes.

Submissions (2):

Labcorp Genetics (formerly Invitae), Labcorp
Classification: Uncertain significance. Last evaluated: 2020-02-18. Review status: criteria provided, single submitter. Criteria: Invitae Variant Classification Sherloc (09022015). Collection method: clinical testing. Allele origin: germline.
Comment: This sequence change replaces serine with arginine at codon 82 of the DRAM2 protein (p.Ser82Arg). The serine residue is moderately conserved and there is a moderate physicochemical difference between serine and arginine. This variant is present in population databases (rs772262465, ExAC 0.006%). This variant has not been reported in the literature in individuals with DRAM2-related conditions. Algorithms developed to predict the effect of missense changes on protein structure and function (SIFT, PolyPhen-2, Align-GVGD) all suggest that this variant is likely to be tolerated, but these predictions have not been confirmed by published functional studies and their clinical significance is uncertain. In summary, the available evidence is currently insufficient to determine the role of this variant in disease. Therefore, it has been classified as a Variant of Uncertain Significance.

Institute of Human Genetics, Univ. Regensburg, Univ. Regensburg
Classification: Uncertain significance for Retinal dystrophy. Last evaluated: 2023-01-01. Review status: no assertion criteria provided. Criteria: ACMG Guidelines, 2015. Collection method: clinical testing. Allele origin: germline. Affected: yes. Not counted in ClinVar's aggregate classification.

NM_001349884.2(DRAM2):c.246T>G (p.Ser82Arg)

Gene: DRAM2 (DNA damage regulated autophagy modulator 2; minus strand). Cytogenetic location: 1p13.3.
Variant type: single nucleotide variant.
Coding change: c.246T>G on transcript NM_001349884.2 (MANE Select); coding-DNA position 246, T replaced by G.
Protein change: p.Ser82Arg; replaces serine 82 with arginine.
Molecular consequence: missense variant. On other transcripts: 5 prime UTR variant (1), non-coding transcript variant (3), intron variant (7).
Genome position (GRCh38, 1-based): chr1:111,124,835, A>C on the plus strand (T>G on the coding strand, the complement: DRAM2 is on the minus strand). VCF-style: chr1-111124835-A-C. GRCh37 (hg19) VCF-style: chr1-111667457-A-C.
Other names: c.246T>G, p.Ser82Arg (NM_001349881.2, NM_001349882.2, NM_001349885.2 and 1 more transcripts); c.-173T>G (NM_001349891.2); c.-52+1392T>G (NM_001349889.2, NM_001349890.2, NM_001349892.2 and 1 more transcripts); c.41+1392T>G (NM_001349887.2, NM_001349886.2, NM_001349888.2); short protein forms S82R.
Identifiers: ClinVar variation 1055846 (VCV001055846.10), dbSNP rs772262465, ClinGen allele CA1001889.